The following is an entry in ClinVar:

NM_000548.5(TSC2):c.4914G>A (p.Lys1638=)

Gene: TSC2 (TSC complex subunit 2; plus strand). Cytogenetic location: 16p13.3.
Variant type: single nucleotide variant.
Coding change: c.4914G>A on transcript NM_000548.5 (MANE Select); coding-DNA position 4914, G replaced by A.
Protein change: p.Lys1638=; no amino-acid change (lysine 1638 retained).
Molecular consequence: synonymous variant.
Genome position (GRCh38, 1-based): chr16:2,086,796, G>A. VCF-style: chr16-2086796-G-A. GRCh37 (hg19) VCF-style: chr16-2136797-G-A.
Other names: c.4713G>A, p.Lys1571= (NM_001077183.3); c.4845G>A, p.Lys1615= (NM_001114382.3); c.4605G>A, p.Lys1535= (NM_001318827.2); c.4569G>A, p.Lys1523= (NM_001318829.2); c.4182G>A, p.Lys1394= (NM_001318831.2); c.4746G>A, p.Lys1582= (NM_001318832.2); c.4716G>A, p.Lys1572= (NM_001363528.2); c.4782G>A, p.Lys1594= (NM_001370404.1); and 1 more.
Identifiers: ClinVar variation 486598 (VCV000486598.21), dbSNP rs137854094, ClinGen allele CA276756819.

ClinVar aggregate classification (germline): Benign/Likely benign. Review status: criteria provided, multiple submitters, no conflicts (2 of 4 stars). 7 submissions from 7 submitters: Benign (3); Likely benign (4). Last evaluated 2025-12-01.

Conditions:
Hereditary cancer-predisposing syndrome. Also called: Tumor predisposition; Neoplastic Syndromes, Hereditary; Hereditary Cancer Syndrome; Hereditary neoplastic syndrome. Identifiers: Orphanet 140162, MedGen C0027672, MeSH D009386, MONDO:0015356.
Tuberous sclerosis syndrome (TSC). Also called: Tuberous Sclerosis Complex; Tuberous sclerosis. Identifiers: Orphanet 805, MedGen C0041341, MONDO:0001734.
Tuberous sclerosis 2 (TSC2). Identifiers: Orphanet 805, MedGen C1860707, MONDO:0013199, OMIM 613254.

Allele frequency attached by ClinVar (database versions not stated): gnomAD 0.00001; gnomAD exomes 0.00001; TOPMed 0.00001.
gnomAD v4.1: 10 of 1,611,394 alleles (0.00062%); highest among the groups gnomAD compares: Non-Finnish European, 0.00076%; no homozygotes.

Submissions (7):

Labcorp Genetics (formerly Invitae), Labcorp
Classification: Likely benign for Tuberous sclerosis 2. Last evaluated: 2025-12-01. Review status: criteria provided, single submitter. Criteria: Invitae Variant Classification Sherloc (09022015). Collection method: clinical testing. Allele origin: germline.

Myriad Genetics, Inc.
Classification: Benign for Tuberous sclerosis 2. Last evaluated: 2025-06-05. Review status: criteria provided, single submitter. Criteria: Myriad Autosomal Dominant, Autosomal Recessive and X-Linked Classification Criteria (2023). Collection method: clinical testing. Allele origin: unknown.
Comment: This variant is considered benign. This variant is a silent/synonymous amino acid change and it is not expected to impact splicing.

All of Us Research Program, National Institutes of Health
Classification: Likely benign for Tuberous sclerosis syndrome. Last evaluated: 2023-10-23. Review status: criteria provided, single submitter. Criteria: ACMG Guidelines, 2015. Collection method: clinical testing. Allele origin: germline. Inheritance: Autosomal dominant inheritance. Observed: 3 variant alleles, 3 heterozygotes.
Comment: This study involves interpretation of variants in research participants for the purpose of population health screening. Participant phenotype was not available at the time of variant classification. Additional details can be found in publication PMID: 35346344, PMCID: PMC8962531

Color Diagnostics, LLC DBA Color Health
Classification: Likely benign for Tuberous sclerosis syndrome. Last evaluated: 2022-11-06. Review status: criteria provided, single submitter. Criteria: ACMG Guidelines, 2015. Collection method: clinical testing. Allele origin: germline.

Genome-Nilou Lab
Classification: Benign for Tuberous sclerosis 2. Last evaluated: 2021-11-07. Review status: criteria provided, single submitter. Criteria: ACMG Guidelines, 2015. Collection method: clinical testing. Allele origin: germline. Affected: no.

Ambry Genetics
Classification: Likely benign for Hereditary cancer-predisposing syndrome. Last evaluated: 2017-02-23. Review status: criteria provided, single submitter. Criteria: Ambry Variant Classification Scheme 2023. Collection method: clinical testing. Allele origin: germline.

GeneDx
Classification: Benign. Last evaluated: 2015-03-17. Review status: criteria provided, single submitter. Criteria: GeneDx Variant Classification Process June 2021. Collection method: clinical testing. Allele origin: germline. Affected: yes.